The following is an entry in ClinVar:

ClinVar aggregate classification (germline): Uncertain significance. Review status: criteria provided, multiple submitters, no conflicts (2 of 4 stars). 5 submissions from 5 submitters: Uncertain significance (4). 1 of the submissions does not count toward it. Last evaluated 2025-02-24.

Conditions:
Episodic ataxia type 2 (EA2). Also called: EPISODIC ATAXIA, NYSTAGMUS-ASSOCIATED; ACETAZOLAMIDE-RESPONSIVE HEREDITARY PAROXYSMAL CEREBELLAR ATAXIA; ATAXIA, EPISODIC, WITH NYSTAGMUS; ATAXIA, FAMILIAL PAROXYSMAL; CEREBELLAR ATAXIA, PAROXYSMAL, ACETAZOLAMIDE-RESPONSIVE; CEREBELLOPATHY, HEREDITARY PAROXYSMAL. Identifiers: Orphanet 97, MedGen C1720416, MONDO:0007163, OMIM 108500.
Developmental and epileptic encephalopathy, 42 (DEE42A). Also called: Epileptic encephalopathy, early infantile, 42; DEVELOPMENTAL AND EPILEPTIC ENCEPHALOPATHY 42A; EPILEPTIC ENCEPHALOPATHY, EARLY INFANTILE, 42A. Identifiers: MedGen C4310716, MONDO:0014917, OMIM 617106.

Allele frequency attached by ClinVar (database versions not stated): gnomAD 0.00001; gnomAD exomes 0.00001; ExAC 0.00002.
gnomAD v4.1: 16 of 1,612,292 alleles (0.00099%); highest among the groups gnomAD compares: African/African-American, 0.0027%; no homozygotes.

Submissions (5):

Labcorp Genetics (formerly Invitae), Labcorp
Classification: Uncertain significance for Developmental and epileptic encephalopathy, 42; Episodic ataxia type 2. Last evaluated: 2025-02-24. Review status: criteria provided, single submitter. Criteria: Invitae Variant Classification Sherloc (09022015). Collection method: clinical testing. Allele origin: germline.
Comment: This sequence change replaces alanine, which is neutral and non-polar, with threonine, which is neutral and polar, at codon 405 of the CACNA1A protein (p.Ala405Thr). The frequency data for this variant in the population databases is considered unreliable, as metrics indicate poor data quality at this position in the gnomAD database. This missense change has been observed in individual(s) with familial hemiplegic migraine and/or progressive spinocerebellar ataxia (PMID: 20682717). It has also been observed to segregate with disease in related individuals. ClinVar contains an entry for this variant (Variation ID: 68419). Invitae Evidence Modeling of protein sequence and biophysical properties (such as structural, functional, and spatial information, amino acid conservation, physicochemical variation, residue mobility, and thermodynamic stability) indicates that this missense variant is expected to disrupt CACNA1A protein function with a positive predictive value of 80%. Experimental studies have shown that this missense change does not substantially affect CACNA1A function (PMID: 36676903). In summary, the available evidence is currently insufficient to determine the role of this variant in disease. Therefore, it has been classified as a Variant of Uncertain Significance.

Blueprint Genetics
Classification: Uncertain significance. Last evaluated: 2022-09-20. Review status: criteria provided, single submitter. Criteria: ACMG Guidelines, 2015. Collection method: clinical testing. Allele origin: germline.

GeneDx
Classification: Uncertain significance. Last evaluated: 2022-05-19. Review status: criteria provided, single submitter. Criteria: GeneDx Variant Classification Process June 2021. Collection method: clinical testing. Allele origin: germline. Affected: yes.
Comment: Reported previously in three affected females from a family with a spectrum of phenotypes including episodic ataxia, progressive spinocerebellar ataxia, and familial hemiplegic migraine; two male carriers in this family were reported to be unaffected, suggesting additional genetic and environmental factors may affect the clinical presentation (Romaniello et al., 2010); In silico analysis supports that this missense variant has a deleterious effect on protein structure/function; This variant is associated with the following publications: (PMID: 24486772, 27871455, 20682717, 32116539)

Victorian Clinical Genetics Services, Murdoch Childrens Research Institute
Classification: Uncertain significance for Developmental and epileptic encephalopathy, 42. Last evaluated: 2022-02-02. Review status: criteria provided, single submitter. Criteria: ACMG Guidelines, 2015. Collection method: clinical testing. Allele origin: germline. Inheritance: Autosomal dominant inheritance. Affected: yes.
Comment: Based on the classification scheme VCGS_Germline_v1.3.4, this variant is classified as VUS-3B. Following criteria are met: 0103 - Loss of function and gain of function are known mechanisms of disease in this gene. Type 2 episodic ataxia (MIM#108500) is mostly associated with loss of function, while familial hemiplegic migraine 1, with or without progressive cerebellar ataxia (MIM#141500) is associated with gain of function. Developmental and epileptic encephalopathy 42 (MIM#617106) is associated with both mechanisms, and spinocerebellar ataxia 6 (MIM#183086) is associated with CAG repeat expansion. (OMIM, PMIDs: 25735478, 28566750, 31468518, 32116539). (I) 0107 - This gene is associated with autosomal dominant disease. (I) 0112 - The condition associated with this gene has incomplete penetrance. Asymptomatic family members have been reported to carry the same variant as the affected family members (PMIDs: 10408533, 30142438). (I) 0115 - Variants in this gene are known to have variable expressivity. Intrafamilial variability has been reported for episodic ataxia, intellectual disability and/or epilepsy (PMIDs: 30142438, 32910250). (I) 0200 - Variant is predicted to result in a missense amino acid change from alanine to threonine. (I) 0251 - This variant is heterozygous. (I) 0302 - Variant is present in gnomAD (v2) <0.001 for a dominant condition (2 heterozygotes, 0 homozygotes). (SP) 0309 - An alternative amino acid change at the same position has been observed in gnomAD (v3) (1 heterozygote, 0 homozygotes). (I) 0501 - Missense variant consistently predicted to be damaging by multiple in silico tools or highly conserved with a major amino acid change. (SP) 0600 - Variant is located in the annotated intracellular loop between transmembrane domains DI and DII (PMID: 20682717). (I) 0705 - No comparable missense variants have previous evidence for pathogenicity. (I) 0808 - Previous reports of pathogenicity for this variant are conflicting. It has been reported in a family in three affected members showing a spectrum of phenotypes including progressive spinocerebellar ataxia 6, episodic ataxia type 2 and familial hemiplegic migraine, and two unaffected members (PMID: 20682717). It has also been reported as a VUS once in ClinVar. (I) 1007 - No published functional evidence has been identified for this variant. (I) Legend: (SP) - Supporting pathogenic, (I) - Information, (SB) - Supporting benign

UniProtKB/Swiss-Prot
No classification provided. Condition: Episodic ataxia type 2. Review status: no classification provided. Collection method: not provided. Allele origin: not provided. Not counted in ClinVar's aggregate classification.
Comment: Mutation found in five members of a three generation family. The phenotypic spectrum ranges from SCA6 to EA2 to FHM

Literature cited by the submitters: PubMed 20682717 (cited by Labcorp Genetics (formerly Invitae), Labcorp and Victorian Clinical Genetics Services, Murdoch Childrens Research Institute); PubMed 36676903 (cited by Labcorp Genetics (formerly Invitae), Labcorp); PubMed 10408533 (cited by Victorian Clinical Genetics Services, Murdoch Childrens Research Institute); PubMed 25735478 (cited by Victorian Clinical Genetics Services, Murdoch Childrens Research Institute); PubMed 28566750 (cited by Victorian Clinical Genetics Services, Murdoch Childrens Research Institute); PubMed 30142438 (cited by Victorian Clinical Genetics Services, Murdoch Childrens Research Institute); PubMed 31468518 (cited by Victorian Clinical Genetics Services, Murdoch Childrens Research Institute); PubMed 32116539 (cited by Victorian Clinical Genetics Services, Murdoch Childrens Research Institute); PubMed 32910250 (cited by Victorian Clinical Genetics Services, Murdoch Childrens Research Institute).

NM_001127222.2(CACNA1A):c.1213G>A (p.Ala405Thr)

Gene: CACNA1A (calcium voltage-gated channel subunit alpha1 A; minus strand). Cytogenetic location: 19p13.13.
Variant type: single nucleotide variant.
Coding change: c.1213G>A on transcript NM_001127222.2 (MANE Select); coding-DNA position 1213, G replaced by A.
Protein change: p.Ala405Thr; replaces alanine 405 with threonine.
Molecular consequence: missense variant.
Genome position (GRCh38, 1-based): chr19:13,332,911, C>T on the plus strand (G>A on the coding strand, the complement: CACNA1A is on the minus strand). VCF-style: chr19-13332911-C-T. GRCh37 (hg19) VCF-style: chr19-13443725-C-T.
Other names: c.1213G>A, p.Ala405Thr (NM_000068.4, NM_001127221.2, NM_001174080.2 and 1 more transcripts); short protein forms A405T.
Identifiers: ClinVar variation 68419 (VCV000068419.11), dbSNP rs121908245, ClinGen allele CA266031.